The following is an entry in ClinVar:

ClinVar aggregate classification (germline): Pathogenic. Review status: criteria provided, multiple submitters, no conflicts (2 of 4 stars). 4 submissions from 4 submitters: Pathogenic (4). Last evaluated 2024-09-03.

Conditions:
Hereditary cancer-predisposing syndrome. Also called: Hereditary Cancer Syndrome; Neoplastic Syndromes, Hereditary; Tumor predisposition; Hereditary neoplastic syndrome. Identifiers: Orphanet 140162, MedGen C0027672, MeSH D009386, MONDO:0015356.
Familial cancer of breast. Also called: Hereditary breast cancer; BREAST CANCER, FAMILIAL; hereditary breast carcinoma. Identifiers: Orphanet 227535, MedGen C0346153, MONDO:0016419, OMIM 114480. Disease mechanism: loss of function.

Submissions (4):

Labcorp Genetics (formerly Invitae), Labcorp
Classification: Pathogenic for Familial cancer of breast. Last evaluated: 2024-09-03. Review status: criteria provided, single submitter. Criteria: Invitae Variant Classification Sherloc (09022015). Collection method: clinical testing. Allele origin: germline.
Comment: This sequence change creates a premature translational stop signal (p.Ser148*) in the BARD1 gene. It is expected to result in an absent or disrupted protein product. Loss-of-function variants in BARD1 are known to be pathogenic (PMID: 20077502, 21344236). This variant is not present in population databases (gnomAD no frequency). This variant has not been reported in the literature in individuals affected with BARD1-related conditions. ClinVar contains an entry for this variant (Variation ID: 490968). For these reasons, this variant has been classified as Pathogenic.

Ambry Genetics
Classification: Pathogenic for Hereditary cancer-predisposing syndrome. Last evaluated: 2023-08-24. Review status: criteria provided, single submitter. Criteria: Ambry Variant Classification Scheme 2023. Collection method: clinical testing. Allele origin: germline.
Comment: The c.441dupT pathogenic mutation, located in coding exon 4 of the BARD1 gene, results from a duplication of T at nucleotide position 441, causing a translational frameshift with a predicted alternate stop codon (p.S148*). This alteration is expected to result in loss of function by premature protein truncation or nonsense-mediated mRNA decay. As such, this alteration is interpreted as a disease-causing mutation.

Myriad Genetics, Inc.
Classification: Pathogenic for Familial cancer of breast. Last evaluated: 2023-05-18. Review status: criteria provided, single submitter. Criteria: Myriad Autosomal Dominant, Autosomal Recessive and X-Linked Classification Criteria (2023). Collection method: clinical testing. Allele origin: unknown.
Comment: This variant is considered pathogenic. This variant creates a termination codon and is predicted to result in premature protein truncation.

Color Diagnostics, LLC DBA Color Health
Classification: Pathogenic for Hereditary cancer-predisposing syndrome. Last evaluated: 2020-04-20. Review status: criteria provided, single submitter. Criteria: ACMG Guidelines, 2015. Collection method: clinical testing. Allele origin: germline.
Comment: This variant inserts 1 nucleotide in exon 4 of the BARD1 gene, creating a frameshift and premature translation stop signal. This variant is expected to result in an absent or non-functional protein product. To our knowledge, this variant has not been reported in individuals affected with hereditary cancer in the literature. This variant has not been identified in the general population by the Genome Aggregation Database (gnomAD). Loss of BARD1 function is a known mechanism of disease. Based on the available evidence, this variant is classified as Pathogenic.

Literature cited by the submitters: PubMed 20077502 (cited by Labcorp Genetics (formerly Invitae), Labcorp); PubMed 21344236 (cited by Labcorp Genetics (formerly Invitae), Labcorp).

NM_000465.4(BARD1):c.441dup (p.Ser148Ter)

Gene: BARD1 (BRCA1 associated RING domain 1; minus strand). Cytogenetic location: 2q35.
Variant type: Duplication.
Coding change: c.441dup on transcript NM_000465.4 (MANE Select); coding-DNA position 441, one base duplicated (T; older notation c.441dupT).
Protein change: p.Ser148Ter; replaces serine 148 with a stop codon.
Molecular consequence: nonsense. On other transcripts: intron variant (3), non-coding transcript variant (2).
Genome position (GRCh38, 1-based): chr2:214,781,433, A duplicated on the plus strand (T on the coding strand, the reverse complement: BARD1 is on the minus strand); the first of 3 consecutive A bases (chr2:214,781,433-214,781,435); duplicating any one gives the same sequence. VCF-style (leftmost placement, unchanged base first): chr2-214781432-T-TA. GRCh37 (hg19) VCF-style: chr2-215646156-T-TA.
Other names: c.441dupT (NM_000465.3, NM_000465.2); c.364+10862dup (NM_001282549.2); c.384dup, p.Ser129Ter (NM_001282543.2); c.158+27977dup (NM_001282548.2); c.215+15626dup (NM_001282545.2); short protein forms S129*, S148*.
Identifiers: ClinVar variation 490968 (VCV000490968.13), dbSNP rs1553622681, ClinGen allele CA658683288.
Genomic context (GRCh38, chr2:214,781,432, plus strand): 5'-CAGGCTGGGTTTGCACTGAAGCTTTACTCACAACATATCTGACTTTCTTACTTCGAGGGC[T>TA]AAACCACATTTTAATTGAATTCTTCTTGTTTCCTGCATCATTAAACAAACTTTTCCTAGG-3'